The following is an entry in ClinVar:

ClinVar aggregate classification (germline): Uncertain significance (1 of 4 stars; one submission).

Conditions:
RFT1-congenital disorder of glycosylation (CDG1N). Also called: CDG In; Congenital disorder of glycosylation type In; RFT1-CDG. Identifiers: Orphanet 244310, MedGen C2677590, MONDO:0012783, OMIM 612015.

Submission:

Labcorp Genetics (formerly Invitae), Labcorp
Classification: Uncertain significance for RFT1-congenital disorder of glycosylation. Last evaluated: 2022-04-08. Review status: criteria provided, single submitter. Criteria: Invitae Variant Classification Sherloc (09022015). Collection method: clinical testing. Allele origin: germline.
Comment: In summary, the available evidence is currently insufficient to determine the role of this variant in disease. Therefore, it has been classified as a Variant of Uncertain Significance. This sequence change affects an acceptor splice site in intron 2 of the RFT1 gene. It is expected to disrupt RNA splicing. Variants that disrupt the donor or acceptor splice site typically lead to a loss of protein function (PMID: 16199547), however the current clinical and genetic evidence is not sufficient to establish whether loss-of-function variants in RFT1 cause disease. This variant is not present in population databases (gnomAD no frequency). This variant has not been reported in the literature in individuals affected with RFT1-related conditions. Algorithms developed to predict the effect of sequence changes on RNA splicing suggest that this variant may disrupt the consensus splice site.

Literature cited by the submitters: PubMed 16199547.

NM_052859.4(RFT1):c.150-1G>C

Gene: RFT1 (RFT1 glycolipid translocator homolog; minus strand). Cytogenetic location: 3p21.1.
Variant type: single nucleotide variant.
Coding change: c.150-1G>C on transcript NM_052859.4 (MANE Select); the canonical splice acceptor site of the intron before coding-DNA position 150, G replaced by C.
Molecular consequence: splice acceptor variant.
Genome position (GRCh38, 1-based): chr3:53,123,841, C>G on the plus strand (G>C on the coding strand, the complement: RFT1 is on the minus strand). VCF-style: chr3-53123841-C-G. GRCh37 (hg19) VCF-style: chr3-53157857-C-G.
Identifiers: ClinVar variation 2123254 (VCV002123254.4), dbSNP rs2471010325, ClinGen allele CA353222894.